The following is an entry in ClinVar:

NM_001429.4(EP300):c.2789C>T (p.Pro930Leu)

Gene: EP300 (EP300 lysine acetyltransferase; plus strand). Cytogenetic location: 22q13.2.
Variant type: single nucleotide variant.
Coding change: c.2789C>T on transcript NM_001429.4 (MANE Select); coding-DNA position 2789, C replaced by T.
Protein change: p.Pro930Leu; replaces proline 930 with leucine.
Molecular consequence: missense variant.
Genome position (GRCh38, 1-based): chr22:41,150,170, C>T. VCF-style: chr22-41150170-C-T. GRCh37 (hg19) VCF-style: chr22-41546174-C-T.
Other names: c.2711C>T, p.Pro904Leu (NM_001362843.2); c.2789C>T (NM_001429.3); short protein forms P930L, P904L.
Identifiers: ClinVar variation 2086116 (VCV002086116.8), dbSNP rs147198241, ClinGen allele CA10252945.

ClinVar aggregate classification (germline): Benign/Likely benign. Review status: criteria provided, multiple submitters, no conflicts (2 of 4 stars). 4 submissions from 4 submitters: Benign (1); Likely benign (3). Last evaluated 2025-11-13.

Conditions:
EP300-related disorder. Also called: EP300-related condition; EP300-related disorders.
Rubinstein-Taybi syndrome due to EP300 haploinsufficiency. Also called: EP300-Related Rubinstein-Taybi Syndrome; RUBINSTEIN-TAYBI SYNDROME 2. Identifiers: Orphanet 353284, Orphanet 783, MedGen C3150941, MONDO:0013364, OMIM 613684.
Inborn genetic diseases. Identifiers: MedGen C0950123, MeSH D030342.

Allele frequency attached by ClinVar (database versions not stated): TOPMed 0.00004; gnomAD 0.00005; gnomAD exomes 0.00009; ESP Exome Variant Server 0.00015; ExAC 0.00021.
gnomAD v4.1: 143 of 1,610,182 alleles (0.0089%); highest among the groups gnomAD compares: South Asian, 0.14%; 2 homozygotes.

Submissions (4):

Ambry Genetics
Classification: Likely benign for Inborn genetic diseases. Last evaluated: 2025-11-13. Review status: criteria provided, single submitter. Criteria: Ambry Variant Classification Scheme 2023. Collection method: clinical testing. Allele origin: germline.

PreventionGenetics, part of Exact Sciences
Classification: Likely benign for EP300-related condition. Last evaluated: 2025-11-01. Review status: criteria provided, single submitter. Criteria: ACMG Guidelines, 2015. Collection method: clinical testing. Allele origin: germline.
Comment: This variant is classified as likely benign based on ACMG/AMP sequence variant interpretation guidelines (Richards et al. 2015 PMID: 25741868, with internal and published modifications).

Blueprint Genetics
Classification: Likely benign. Last evaluated: 2024-08-07. Review status: criteria provided, single submitter. Criteria: ACMG Guidelines, 2015. Collection method: clinical testing. Allele origin: germline.

Labcorp Genetics (formerly Invitae), Labcorp
Classification: Benign for Rubinstein-Taybi syndrome due to EP300 haploinsufficiency. Last evaluated: 2022-05-21. Review status: criteria provided, single submitter. Criteria: Invitae Variant Classification Sherloc (09022015). Collection method: clinical testing. Allele origin: germline.